The following is an entry in ClinVar:

NM_182493.3(MYLK3):c.2426C>T (p.Ala809Val)

Gene: MYLK3 (myosin light chain kinase 3; minus strand). Cytogenetic location: 16q11.2.
Variant type: single nucleotide variant.
Coding change: c.2426C>T on transcript NM_182493.3 (MANE Select); coding-DNA position 2426, C replaced by T.
Protein change: p.Ala809Val; replaces alanine 809 with valine.
Molecular consequence: missense variant.
Genome position (GRCh38, 1-based): chr16:46,707,738, G>A on the plus strand (C>T on the coding strand, the complement: MYLK3 is on the minus strand). VCF-style: chr16-46707738-G-A. GRCh37 (hg19) VCF-style: chr16-46741650-G-A.
Other names: c.1403C>T, p.Ala468Val (NM_001308301.1); short protein forms A468V, A809V.
Identifiers: ClinVar variation 3660878 (VCV003660878.2).

ClinVar aggregate classification (germline): Uncertain significance (1 of 4 stars; one submission).

Submission:

Labcorp Genetics (formerly Invitae), Labcorp
Classification: Uncertain significance. Last evaluated: 2024-07-30. Review status: criteria provided, single submitter. Criteria: Invitae Variant Classification Sherloc (09022015). Collection method: clinical testing. Allele origin: germline.
Comment: This sequence change replaces alanine, which is neutral and non-polar, with valine, which is neutral and non-polar, at codon 809 of the MYLK3 protein (p.Ala809Val). This variant is not present in population databases (gnomAD no frequency). This variant has not been reported in the literature in individuals affected with MYLK3-related conditions. An algorithm developed to predict the effect of missense changes on protein structure and function outputs the following: PolyPhen-2: "Benign". The valine amino acid residue is found in multiple mammalian species, which suggests that this missense change does not adversely affect protein function. In summary, the available evidence is currently insufficient to determine the role of this variant in disease. Therefore, it has been classified as a Variant of Uncertain Significance.